The following is an entry in ClinVar:

NM_001271.4(CHD2):c.391G>A (p.Gly131Arg)

Gene: CHD2 (chromodomain helicase DNA binding protein 2; plus strand). Cytogenetic location: 15q26.1.
Variant type: single nucleotide variant.
Coding change: c.391G>A on transcript NM_001271.4 (MANE Select); coding-DNA position 391, G replaced by A.
Protein change: p.Gly131Arg; replaces glycine 131 with arginine.
Molecular consequence: missense variant.
Genome position (GRCh38, 1-based): chr15:92,929,039, G>A. VCF-style: chr15-92929039-G-A. GRCh37 (hg19) VCF-style: chr15-93472269-G-A.
Other names: c.391G>A, p.Gly131Arg (NM_001042572.3); short protein forms G131R.
Identifiers: ClinVar variation 3621282 (VCV003621282.2).

ClinVar aggregate classification (germline): Uncertain significance (1 of 4 stars; one submission).

Conditions:
Developmental and epileptic encephalopathy 94 (DEE94). Also called: CHD2-Related Neurodevelopmental Disorders; Epileptic encephalopathy, childhood-onset. Identifiers: Orphanet 1942, Orphanet 2382, MedGen C3809278, MONDO:0014150, OMIM 615369.

Submission:

Labcorp Genetics (formerly Invitae), Labcorp
Classification: Uncertain significance for Developmental and epileptic encephalopathy 94. Last evaluated: 2024-03-12. Review status: criteria provided, single submitter. Criteria: Invitae Variant Classification Sherloc (09022015). Collection method: clinical testing. Allele origin: germline.
Comment: This sequence change replaces glycine, which is neutral and non-polar, with arginine, which is basic and polar, at codon 131 of the CHD2 protein (p.Gly131Arg). This variant is not present in population databases (gnomAD no frequency). This variant has not been reported in the literature in individuals affected with CHD2-related conditions. Advanced modeling of protein sequence and biophysical properties (such as structural, functional, and spatial information, amino acid conservation, physicochemical variation, residue mobility, and thermodynamic stability) performed at Invitae indicates that this missense variant is not expected to disrupt CHD2 protein function with a negative predictive value of 95%. In summary, the available evidence is currently insufficient to determine the role of this variant in disease. Therefore, it has been classified as a Variant of Uncertain Significance.